The following is an entry in ClinVar:

ClinVar aggregate classification (germline): Likely benign. Review status: criteria provided, single submitter (1 of 4 stars). 2 submissions from 2 submitters: Likely benign (1). 1 of the submissions does not count toward it. Last evaluated 2024-11-13.

Conditions:
NBEA-related disorder. Also called: NBEA-related condition.

Allele frequency attached by ClinVar (database versions not stated): ExAC 0.00029; 1000 Genomes Project 30x 0.00062; 1000 Genomes Project 0.00080; gnomAD 0.00081; ESP Exome Variant Server 0.00083; TOPMed 0.00092.
gnomAD v4.1: 235 of 1,611,682 alleles (0.015%); highest among the groups gnomAD compares: African/African-American, 0.29%; 1 homozygote.

Submissions (2):

Blueprint Genetics
Classification: Likely benign. Last evaluated: 2024-11-13. Review status: criteria provided, single submitter. Criteria: ACMG Guidelines, 2015. Collection method: clinical testing. Allele origin: germline.

PreventionGenetics, part of Exact Sciences
Classification: Likely benign for NBEA-related condition. Last evaluated: 2023-01-26. Review status: no assertion criteria provided. Collection method: clinical testing. Allele origin: germline. Not counted in ClinVar's aggregate classification.
Comment: This variant is classified as likely benign based on ACMG/AMP sequence variant interpretation guidelines (Richards et al. 2015 PMID: 25741868, with internal and published modifications).

NM_001385012.1(NBEA):c.3888A>G (p.Gln1296=)

Gene: NBEA (neurobeachin; plus strand). Cytogenetic location: 13q13.3.
Variant type: single nucleotide variant.
Coding change: c.3888A>G on transcript NM_001385012.1 (MANE Select); coding-DNA position 3888, A replaced by G.
Protein change: p.Gln1296=; no amino-acid change (glutamine 1296 retained).
Molecular consequence: synonymous variant.
Genome position (GRCh38, 1-based): chr13:35,161,776, A>G. VCF-style: chr13-35161776-A-G. GRCh37 (hg19) VCF-style: chr13-35735913-A-G.
Other names: c.3888A>G, p.Gln1296= (NM_001379245.1, NM_015678.5).
Identifiers: ClinVar variation 3054782 (VCV003054782.3), dbSNP rs200879205, ClinGen allele CA6946722.